The following is an entry in ClinVar:

NM_000234.3(LIG1):c.370+9A>G

Gene: LIG1 (DNA ligase 1; minus strand). Cytogenetic location: 19q13.33.
Variant type: single nucleotide variant.
Coding change: c.370+9A>G on transcript NM_000234.3 (MANE Select); 9 bases into the intron after coding-DNA position 370, A replaced by G.
Molecular consequence: intron variant.
Genome position (GRCh38, 1-based): chr19:48,157,005, T>C on the plus strand (A>G on the coding strand, the complement: LIG1 is on the minus strand). VCF-style: chr19-48157005-T-C. GRCh37 (hg19) VCF-style: chr19-48660262-T-C.
Other names: c.280+9A>G (NM_001289063.2, NM_001320971.2); c.370+9A>G (NM_001289064.2, NM_001320970.2, NM_000234.2).
Identifiers: ClinVar variation 1912975 (VCV001912975.8), dbSNP rs577725253, ClinGen allele CA9547334.
Genomic context (GRCh38, chr19:48,157,005, plus strand): 5'-AAAAAAAAAAAAAAAAAAGAGAAAAAGAAAGGCAGGCGACTGAAGGGGCAGGGGCCCGTG[T>C]GTTCTCACCTGTGCGACGCTTCGGAATCCCTGATGGGGAACTGTCCATGGGAGAGGTGTC-3'

ClinVar aggregate classification (germline): Likely benign. Review status: criteria provided, multiple submitters, no conflicts (2 of 4 stars). 3 submissions from 3 submitters: Likely benign (2). 1 of the submissions does not count toward it. Last evaluated 2024-12-12.

Conditions:
LIG1-related disorder. Also called: LIG1-related condition.

Allele frequency attached by ClinVar (database versions not stated): ExAC 0.00001; gnomAD 0.00004; 1000 Genomes Project 30x 0.00031; 1000 Genomes Project 0.00040.
gnomAD v4.1: 31 of 1,467,506 alleles (0.0021%); highest among the groups gnomAD compares: African/African-American, 0.029%; no homozygotes.

Submissions (3):

Labcorp Genetics (formerly Invitae), Labcorp
Classification: Likely benign. Last evaluated: 2024-12-12. Review status: criteria provided, single submitter. Criteria: Invitae Variant Classification Sherloc (09022015). Collection method: clinical testing. Allele origin: germline.

Blueprint Genetics
Classification: Likely benign. Last evaluated: 2024-02-16. Review status: criteria provided, single submitter. Criteria: ACMG Guidelines, 2015. Collection method: clinical testing. Allele origin: germline.

PreventionGenetics, part of Exact Sciences
Classification: Likely benign for LIG1-related condition. Last evaluated: 2019-07-01. Review status: no assertion criteria provided. Collection method: clinical testing. Allele origin: germline. Not counted in ClinVar's aggregate classification.
Comment: This variant is classified as likely benign based on ACMG/AMP sequence variant interpretation guidelines (Richards et al. 2015 PMID: 25741868, with internal and published modifications).